The following is an entry in ClinVar:

NM_001267550.2(TTN):c.50821G>T (p.Glu16941Ter)

Genes: TTN-AS1 (TTN antisense RNA 1; plus strand), TTN (titin; minus strand). Cytogenetic location: 2q31.2.
Variant type: single nucleotide variant.
Coding change: c.50821G>T on transcript NM_001267550.2 (MANE Select); coding-DNA position 50821, G replaced by T.
Protein change: p.Glu16941Ter; replaces glutamic acid 16941 with a stop codon.
Molecular consequence: nonsense.
Genome position (GRCh38, 1-based): chr2:178,611,408, C>A on the plus strand (G>T on the coding strand, the complement: TTN is on the minus strand). VCF-style: chr2-178611408-C-A. GRCh37 (hg19) VCF-style: chr2-179476135-C-A.
Other names: p.E15300*:GAA>TAA; c.23626G>T, p.Glu7876Ter (NM_003319.4); c.43117G>T, p.Glu14373Ter (NM_133378.4); c.24001G>T, p.Glu8001Ter (NM_133432.3); c.24202G>T, p.Glu8068Ter (NM_133437.4); c.45898G>T, p.Glu15300Ter (NM_001256850.1); short protein forms E15300*, E16941*, E8068*, E14373*, E7876*, E8001*.
Identifiers: ClinVar variation 202381 (VCV000202381.5), dbSNP rs794729267, ClinGen allele CA309248.

ClinVar aggregate classification (germline): Likely pathogenic (1 of 4 stars; one submission).

Submission:

GeneDx
Classification: Likely pathogenic. Last evaluated: 2025-11-12. Review status: criteria provided, single submitter. Criteria: GeneDx Variant Classification Process June 2021. Collection method: clinical testing. Allele origin: germline. Affected: yes.
Comment: Nonsense variant predicted to result in protein truncation or nonsense mediated decay in a gene for which loss of function is a known mechanism of disease; Located in the A-band, a region of TTN for which truncating variants are significantly associated with autosomal dominant cardiomyopathy and also with autosomal recessive skeletal myopathies (PMID: 22335739, 32778822); Not observed at significant frequency in large population cohorts (gnomAD); Has not been previously published as pathogenic or benign to our knowledge; This variant is associated with the following publications: (PMID: 22335739, 32778822)